The following is an entry in ClinVar:

NM_002880.4(RAF1):c.1947G>C (p.Ter649Tyr)

Gene: RAF1 (Raf-1 proto-oncogene, serine/threonine kinase; minus strand). Cytogenetic location: 3p25.2.
Variant type: single nucleotide variant.
Coding change: c.1947G>C on transcript NM_002880.4 (MANE Select); coding-DNA position 1947, G replaced by C.
Protein change: p.Ter649Tyr.
Molecular consequence: stop lost. On other transcripts: non-coding transcript variant (3).
Genome position (GRCh38, 1-based): chr3:12,584,514, C>G on the plus strand (G>C on the coding strand, the complement: RAF1 is on the minus strand). VCF-style: chr3-12584514-C-G. GRCh37 (hg19) VCF-style: chr3-12626013-C-G.
Other names: c.2007G>C, p.Ter669Tyr (NM_001354689.3); c.1947G>C, p.Ter649Tyr (NM_001354690.3); c.1704G>C, p.Ter568Tyr (NM_001354691.3, NM_001354692.3); c.1848G>C, p.Ter616Tyr (NM_001354693.3); c.1764G>C, p.Ter588Tyr (NM_001354694.3); c.1605G>C, p.Ter535Tyr (NM_001354695.3).
Identifiers: ClinVar variation 1198874 (VCV001198874.2), dbSNP rs1471833190, ClinGen allele CA351495271.

ClinVar aggregate classification (germline): Uncertain significance (1 of 4 stars; one submission).

Submission:

GeneDx
Classification: Uncertain significance. Last evaluated: 2019-09-25. Review status: criteria provided, single submitter. Criteria: GeneDx Variant Classification Process June 2021. Collection method: clinical testing. Allele origin: germline. Affected: yes.
Comment: Not observed in large population cohorts (Lek et al., 2016); Normal stop codon changed to a Tyrosine codon, leading to the addition of 42 amino acids at the C-terminus; Has not been previously published as pathogenic or benign to our knowledge